The following is an entry in ClinVar:

ClinVar aggregate classification (germline): Uncertain significance (0 of 4 stars; one submission).

Conditions:
CAMK2G-related disorder. Also called: CAMK2G-related condition.

gnomAD v4.1: 2 of 1,613,368 alleles (0.00012%); highest among the groups gnomAD compares: Non-Finnish European, 0.00017%; no homozygotes.

Submission:

PreventionGenetics, part of Exact Sciences
Classification: Uncertain significance for CAMK2G-related condition. Last evaluated: 2024-05-14. Review status: no assertion criteria provided. Collection method: clinical testing. Allele origin: germline.
Comment: The CAMK2G c.1342A>G variant is predicted to result in the amino acid substitution p.Ile448Val. To our knowledge, this variant has not been reported in the literature. This variant is reported in 0.0018% of alleles in individuals of European (Non-Finnish) descent in gnomAD. At this time, the clinical significance of this variant is uncertain due to the absence of conclusive functional and genetic evidence.

NM_001367534.1(CAMK2G):c.1411A>G (p.Ile471Val)

Gene: CAMK2G (calcium/calmodulin dependent protein kinase II gamma; minus strand). Cytogenetic location: 10q22.2.
Variant type: single nucleotide variant.
Coding change: c.1411A>G on transcript NM_001367534.1 (MANE Select); coding-DNA position 1411, A replaced by G.
Protein change: p.Ile471Val; replaces isoleucine 471 with valine.
Molecular consequence: missense variant. On other transcripts: 3 prime UTR variant (2), non-coding transcript variant (8).
Genome position (GRCh38, 1-based): chr10:73,817,507, T>C on the plus strand (A>G on the coding strand, the complement: CAMK2G is on the minus strand). VCF-style: chr10-73817507-T-C. GRCh37 (hg19) VCF-style: chr10-75577265-T-C.
Other names: c.1264A>G, p.Ile422Val (NM_001204492.2, NM_001367521.1); c.1132A>G, p.Ile378Val (NM_001222.4, NM_001367541.1); c.1342A>G, p.Ile448Val (NM_001320898.2, NM_001367546.1, NM_001367547.1); c.1291A>G, p.Ile431Val (NM_001367514.1, NM_001367525.1); c.1201A>G, p.Ile401Val (NM_001367516.1, NM_001367517.1, NM_001367529.1 and 1 more transcripts); c.1279A>G, p.Ile427Val (NM_001367518.1, NM_001367522.1); c.1165A>G, p.Ile389Val (NM_001367519.1, NM_001367530.1); c.1273A>G, p.Ile425Val (NM_001367520.1, NM_001367533.1); and 18 more; short protein forms I156V, I209V, I274V, I312V, I357V, I366V, I378V, I387V.
Identifiers: ClinVar variation 3357607 (VCV003357607.1).